The following is an entry in ClinVar:

NM_016203.4(PRKAG2):c.1571T>G (p.Ile524Arg)

Gene: PRKAG2 (protein kinase AMP-activated non-catalytic subunit gamma 2; minus strand). Cytogenetic location: 7q36.1.
Variant type: single nucleotide variant.
Coding change: c.1571T>G on transcript NM_016203.4 (MANE Select); coding-DNA position 1571, T replaced by G.
Protein change: p.Ile524Arg; replaces isoleucine 524 with arginine.
Molecular consequence: missense variant.
Genome position (GRCh38, 1-based): chr7:151,564,091, A>C on the plus strand (T>G on the coding strand, the complement: PRKAG2 is on the minus strand). VCF-style: chr7-151564091-A-C. GRCh37 (hg19) VCF-style: chr7-151261177-A-C.
Other names: c.1439T>G, p.Ile480Arg (NM_001040633.2); c.1196T>G, p.Ile399Arg (NM_001304527.2); c.848T>G, p.Ile283Arg (NM_001304531.2, NM_024429.2); c.1199T>G, p.Ile400Arg (NM_001363698.2); short protein forms I524R, I283R, I480R, I399R, I400R.
Identifiers: ClinVar variation 573524 (VCV000573524.9), dbSNP rs1563141020, ClinGen allele CA370070450.

ClinVar aggregate classification (germline): Uncertain significance. Review status: criteria provided, multiple submitters, no conflicts (2 of 4 stars). 2 submissions from 2 submitters: Uncertain significance (2). Last evaluated 2026-04-22.

Conditions:
Lethal congenital glycogen storage disease of heart. Also called: PHOSPHORYLASE KINASE DEFICIENCY OF HEART; GLYCOGEN STORAGE DISEASE OF HEART. Identifiers: Orphanet 439854, MedGen C1849813, MONDO:0009867, OMIM 261740.

Submissions (2):

GeneDx
Classification: Uncertain significance. Last evaluated: 2026-04-22. Review status: criteria provided, single submitter. Criteria: GeneDx Variant Classification Process June 2021. Collection method: clinical testing. Allele origin: germline.
Comment: Not observed at significant frequency in large population cohorts (gnomAD); In silico analysis supports that this missense variant has a deleterious effect on protein structure/function; This variant is associated with the following publications: (PMID: 38195854)

Labcorp Genetics (formerly Invitae), Labcorp
Classification: Uncertain significance for Lethal congenital glycogen storage disease of heart. Last evaluated: 2018-03-17. Review status: criteria provided, single submitter. Criteria: Invitae Variant Classification Sherloc (09022015). Collection method: clinical testing. Allele origin: germline.
Comment: Algorithms developed to predict the effect of missense changes on protein structure and function (SIFT, PolyPhen-2, Align-GVGD) all suggest that this variant is likely to be disruptive, but these predictions have not been confirmed by published functional studies and their clinical significance is uncertain. This variant has not been reported in the literature in individuals with PRKAG2-related disease. This variant is not present in population databases (ExAC no frequency). This sequence change replaces isoleucine with arginine at codon 524 of the PRKAG2 protein (p.Ile524Arg). The isoleucine residue is highly conserved and there is a moderate physicochemical difference between isoleucine and arginine. In summary, the available evidence is currently insufficient to determine the role of this variant in disease. Therefore, it has been classified as a Variant of Uncertain Significance.